The following is an entry in ClinVar:

NM_001040716.2(PC):c.919G>A (p.Ala307Thr)

Gene: PC (pyruvate carboxylase; minus strand). Cytogenetic location: 11q13.2.
Variant type: single nucleotide variant.
Coding change: c.919G>A on transcript NM_001040716.2 (MANE Select); coding-DNA position 919, G replaced by A.
Protein change: p.Ala307Thr; replaces alanine 307 with threonine.
Molecular consequence: missense variant.
Genome position (GRCh38, 1-based): chr11:66,868,949, C>T on the plus strand (G>A on the coding strand, the complement: PC is on the minus strand). VCF-style: chr11-66868949-C-T. GRCh37 (hg19) VCF-style: chr11-66636420-C-T.
Other names: c.919G>A, p.Ala307Thr (NM_000920.4, NM_001439352.1, NM_001439353.1 and 5 more transcripts); short protein forms A307T.
Identifiers: ClinVar variation 4537629 (VCV004537629.1).
Genomic context (GRCh38, chr11:66,868,949, plus strand): 5'-AGTTGACCTCGATGAAGTAGTGCTTGCCGTGCCTGTCCACCAGGAACTCCACGGTGCCTG[C>T]GTTCTCGTAGCCCACCTGTGGGGGCGGCCACGTGAGCAGGGGAGGGCACAGGCAGGGCCT-3'
Protein context (NP_001035806.1, residues 297-317): KLAKQVGYEN[Ala307Thr]GTVEFLVDRH

ClinVar aggregate classification (germline): Uncertain significance (1 of 4 stars; one submission).

gnomAD v4.1: 28 of 1,613,658 alleles (0.0017%); highest among the groups gnomAD compares: Non-Finnish European, 0.0023%; no homozygotes.

Submission:

GeneDx
Classification: Uncertain significance. Last evaluated: 2025-06-12. Review status: criteria provided, single submitter. Criteria: GeneDx Variant Classification Process June 2021. Collection method: clinical testing. Allele origin: germline. Affected: yes.
Comment: Not observed at significant frequency in large population cohorts (gnomAD); In silico analysis supports that this missense variant has a deleterious effect on protein structure/function; Has not been previously published as pathogenic or benign to our knowledge